The following is an entry in ClinVar:

NM_004415.4(DSP):c.1701+167A>G

Gene: DSP (desmoplakin; plus strand). Cytogenetic location: 6p24.3.
Variant type: single nucleotide variant.
Coding change: c.1701+167A>G on transcript NM_004415.4 (MANE Select); 167 bases into the intron after coding-DNA position 1701, A replaced by G.
Molecular consequence: intron variant.
Genome position (GRCh38, 1-based): chr6:7,570,730, A>G. VCF-style: chr6-7570730-A-G. GRCh37 (hg19) VCF-style: chr6-7570963-A-G.
Other names: c.1701+167A>G (NM_001319034.2, NM_001008844.3).
Identifiers: ClinVar variation 672133 (VCV000672133.1), dbSNP rs2076302, ClinGen allele CA12364938.

ClinVar aggregate classification (germline): Benign (1 of 4 stars; one submission).

Allele frequency attached by ClinVar (database versions not stated): 1000 Genomes Project 30x 0.77670; 1000 Genomes Project 0.77776; gnomAD 0.77882 and 0.78032; TOPMed 0.78881.

Submission:

GeneDx
Classification: Benign. Last evaluated: 2018-06-13. Review status: criteria provided, single submitter. Criteria: GeneDx Variant Classification (06012015). Collection method: clinical testing. Allele origin: germline. Affected: yes.
Comment: This variant is considered likely benign or benign based on one or more of the following criteria: it is a conservative change, it occurs at a poorly conserved position in the protein, it is predicted to be benign by multiple in silico algorithms, and/or has population frequency not consistent with disease.